The following is an entry in ClinVar:

NM_001972.4(ELANE):c.171C>T (p.Ala57=)

Gene: ELANE (elastase, neutrophil expressed; plus strand). Cytogenetic location: 19p13.3.
Variant type: single nucleotide variant.
Coding change: c.171C>T on transcript NM_001972.4 (MANE Select); coding-DNA position 171, C replaced by T.
Protein change: p.Ala57=; no amino-acid change (alanine 57 retained).
Molecular consequence: synonymous variant.
Genome position (GRCh38, 1-based): chr19:852,979, C>T. VCF-style: chr19-852979-C-T. GRCh37 (hg19) VCF-style: chr19-852979-C-T.
Other names: c.171C>T (LRG_57t1).
Identifiers: ClinVar variation 258497 (VCV000258497.28), dbSNP rs201224981, ClinGen allele CA9025944.
Genomic context (GRCh38, chr19:852,979, plus strand): 5'-GCCCCACGCGTGGCCCTTCATGGTGTCCCTGCAGCTGCGCGGAGGCCACTTCTGCGGCGC[C>T]ACCCTGATTGCGCCCAACTTCGTCATGTCGGCCGCGCACTGCGTGGCGAATGTGTGAGTA-3'
Protein context (NP_001963.1, residues 47-67): LQLRGGHFCG[Ala57=]TLIAPNFVMS

ClinVar aggregate classification (germline): Benign/Likely benign. Review status: criteria provided, multiple submitters, no conflicts (2 of 4 stars). 7 submissions from 7 submitters: Benign (1); Likely benign (6). Last evaluated 2025-11-05.

Conditions:
Neutropenia, severe congenital, 1, autosomal dominant. Identifiers: MedGen C1859966, MONDO:0042490, OMIM 202700.
Cyclical neutropenia. Also called: Cyclic Neutropenia; Cyclic hematopoiesis. Identifiers: Orphanet 2686, MedGen C0221023, MONDO:0008090, OMIM 162800, HP:0040289. Disease mechanism: loss of function.
Inborn genetic diseases. Identifiers: MedGen C0950123, MeSH D030342.

Allele frequency attached by ClinVar (database versions not stated): gnomAD exomes 0.00005 and 0.00013; ExAC 0.00022; gnomAD 0.00038 and 0.00039; 1000 Genomes Project 0.00040; ESP Exome Variant Server 0.00040; 1000 Genomes Project 30x 0.00047; TOPMed 0.00049.
gnomAD v4.1: 131 of 1,584,074 alleles (0.0083%); highest among the groups gnomAD compares: African/African-American, 0.15%; no homozygotes.

Submissions (7):

Labcorp Genetics (formerly Invitae), Labcorp
Classification: Benign for Neutropenia, severe congenital, 1, autosomal dominant; Cyclical neutropenia. Last evaluated: 2025-11-05. Review status: criteria provided, single submitter. Criteria: Invitae Variant Classification Sherloc (09022015). Collection method: clinical testing. Allele origin: germline.

CeGaT Center for Human Genetics Tuebingen
Classification: Likely benign. Last evaluated: 2025-08-01. Review status: criteria provided, single submitter. Criteria: CeGaT Center For Human Genetics Tuebingen Variant Classification Criteria Version 2. Collection method: clinical testing. Allele origin: germline. Affected: yes. Observed: 1 variant allele.
Comment: ELANE: BP4, BP7

Ambry Genetics
Classification: Likely benign for Inborn genetic diseases. Last evaluated: 2024-11-17. Review status: criteria provided, single submitter. Criteria: Ambry Variant Classification Scheme 2023. Collection method: clinical testing. Allele origin: germline.

Blueprint Genetics
Classification: Likely benign. Last evaluated: 2024-11-15. Review status: criteria provided, single submitter. Criteria: ACMG Guidelines, 2015. Collection method: clinical testing. Allele origin: germline.

GeneDx
Classification: Likely benign. Last evaluated: 2017-05-26. Review status: criteria provided, single submitter. Criteria: GeneDx Variant Classification (06012015). Collection method: clinical testing. Allele origin: germline. Affected: yes.
Comment: This variant is considered likely benign or benign based on one or more of the following criteria: it is a conservative change, it occurs at a poorly conserved position in the protein, it is predicted to be benign by multiple in silico algorithms, and/or has population frequency not consistent with disease.

Genetic Services Laboratory, University of Chicago
Classification: Likely benign. Last evaluated: 2016-12-07. Review status: criteria provided, single submitter. Criteria: ACMG Guidelines, 2015. Collection method: clinical testing. Allele origin: germline. Affected: no.

PreventionGenetics, part of Exact Sciences
Classification: Likely benign. Review status: criteria provided, single submitter. Criteria: ACMG Guidelines, 2015. Collection method: clinical testing. Allele origin: germline.